The following is an entry in ClinVar:

NM_001320.7(CSNK2B):c.410del (p.Cys137fs)

Gene: CSNK2B (casein kinase 2 beta; plus strand). Cytogenetic location: 6p21.33.
Variant type: Deletion.
Coding change: c.410del on transcript NM_001320.7 (MANE Select); coding-DNA position 410, one base deleted (G; older notation c.410delG).
Protein change: p.Cys137fs; shifts the reading frame from cysteine 137.
Molecular consequence: frameshift variant.
Genome position (GRCh38, 1-based): chr6:31,669,361, G deleted. VCF-style (leftmost placement, unchanged base first): chr6-31669360-TG-T. GRCh37 (hg19) VCF-style: chr6-31637137-TG-T.
Other names: c.401del, p.Cys134fs (NM_001282385.2); short protein forms C134fs, C137fs.
Identifiers: ClinVar variation 4884395 (VCV004884395.1).

ClinVar aggregate classification (germline): Likely pathogenic (1 of 4 stars; one submission).

Conditions:
Poirier-Bienvenu neurodevelopmental syndrome (POBINDS). Identifiers: Orphanet 689397, MedGen C5231482, MONDO:0032889, OMIM 618732.

Submission:

Division of Genetic & Genomic Pathology, Hong Kong Children's Hospital
Classification: Likely pathogenic for Poirier-Bienvenu neurodevelopmental syndrome. Last evaluated: 2025-04-02. Review status: criteria provided, single submitter. Criteria: ACMG Guidelines, 2015. Collection method: clinical testing. Allele origin: de novo. Affected: yes.
Comment: CSNK2B c.410del p.(Cys137Serfs*90) is a 1-bp deletion variant in exon 6 (out of 7 exons). It is predicted to cause frameshift and termination codon following 89 incorrect amino acids. It is uncertain whether the alteration would trigger nonsense-mediated decay. This variant is absent in population control database (gnomAD v4.1.0) and clinical databases (ClinVar and HGMD Professional 2024.4). For these reasons, this variant is classified as likely pathogenic.